The following is an entry in ClinVar:

ClinVar aggregate classification (germline): Pathogenic/Likely pathogenic. Review status: criteria provided, multiple submitters, no conflicts (2 of 4 stars). 4 submissions from 4 submitters: Pathogenic (3); Likely pathogenic (1). Last evaluated 2025-10-03.

Conditions:
Autosomal recessive limb-girdle muscular dystrophy. Identifiers: Orphanet 102015, MedGen C2931907, MONDO:0015152.
Gnathodiaphyseal dysplasia (GDD). Also called: GNATHODIAPHYSEAL SCLEROSIS; OSTEOGENESIS IMPERFECTA WITH UNUSUAL SKELETAL LESIONS. Identifiers: Orphanet 53697, MedGen C1833736, MONDO:0008151, OMIM 166260.
Autosomal recessive limb-girdle muscular dystrophy type 2L (LGMDR12). Also called: Limb-girdle muscular dystrophy, type 2L; Limb-Girdle Muscular Dystrophy R12 Anoctamin-5-Related (LGMD-R12); MUSCULAR DYSTROPHY, LIMB-GIRDLE, AUTOSOMAL RECESSIVE 12. Identifiers: Orphanet 206549, MedGen C1969785, MONDO:0012652, OMIM 611307.
Miyoshi muscular dystrophy 3 (MMD3). Also called: Miyoshi myopathy 3; Miyoshi Muscular Dystrophy 3 (MMD3). Identifiers: Orphanet 399096, MedGen C2750076, MONDO:0013222, OMIM 613319.

Allele frequency attached by ClinVar (database versions not stated): gnomAD 0.00001; gnomAD exomes 0.00001; ExAC 0.00002; TOPMed 0.00002; 1000 Genomes Project 30x 0.00016; 1000 Genomes Project 0.00020.
gnomAD v4.1: 4 of 1,612,340 alleles (0.00025%); highest among the groups gnomAD compares: East Asian, 0.0067%; no homozygotes.

Submissions (4):

Labcorp Genetics (formerly Invitae), Labcorp
Classification: Likely pathogenic for Autosomal recessive limb-girdle muscular dystrophy type 2L; Gnathodiaphyseal dysplasia. Last evaluated: 2025-10-03. Review status: criteria provided, single submitter. Criteria: Invitae Variant Classification Sherloc (09022015). Collection method: clinical testing. Allele origin: germline.
Comment: This sequence change affects an acceptor splice site in intron 11 of the ANO5 gene. It is expected to disrupt RNA splicing. Variants that disrupt the donor or acceptor splice site typically lead to a loss of protein function (PMID: 16199547), and loss-of-function variants in ANO5 are known to be pathogenic (PMID: 21186264, 23606453, 25891276, 30919934). This variant is present in population databases (rs561719071, gnomAD 0.01%). Disruption of this splice site has been observed in individual(s) with autosomal recessive distal myopathy (PMID: 28187523). ClinVar contains an entry for this variant (Variation ID: 536726). Algorithms developed to predict the effect of sequence changes on RNA splicing suggest that this variant may disrupt the consensus splice site. In summary, the currently available evidence indicates that the variant is pathogenic, but additional data are needed to prove that conclusively. Therefore, this variant has been classified as Likely Pathogenic.

Women's Health and Genetics/Laboratory Corporation of America, LabCorp
Classification: Pathogenic for Autosomal recessive limb-girdle muscular dystrophy. Last evaluated: 2024-10-10. Review status: criteria provided, single submitter. Criteria: LabCorp Variant Classification Summary - May 2015. Collection method: clinical testing. Allele origin: germline.
Comment: Variant summary: ANO5 c.1120-1G>A is located in a canonical splice-site and is predicted to affect mRNA splicing resulting in a significantly altered protein due to either exon skipping, shortening, or inclusion of intronic material. Variants that disrupt the consensus splice site are a relatively common cause of aberrant splicing and loss of ANO5 function. Several computational tools predict a significant impact on normal splicing: Four predict the variant abolishes a 3' acceptor site. However, these predictions have yet to be confirmed by functional studies. The variant allele was found at a frequency of 8e-06 in 250156 control chromosomes. c.1120-1G>A has been reported in the literature as homozygous in individuals affected with Autosomal Recessive Limb-Girdle Muscular Dystrophy and Miyoshi myopathy (e.g. Papadopoulos_2017). These data indicate that the variant is likely to be associated with disease. To our knowledge, no experimental evidence demonstrating an impact on protein function has been reported. The following publication has been ascertained in the context of this evaluation (PMID: 28187523. ClinVar contains an entry for this variant (Variation ID: 536726). Based on the evidence outlined above, the variant was classified as pathogenic.

Eurofins Ntd Llc (ga)
Classification: Pathogenic. Last evaluated: 2017-10-11. Review status: criteria provided, single submitter. Criteria: EGL Classification Definitions 2015. Collection method: clinical testing. Allele origin: germline. Observed: 1 variant allele, 1 heterozygote.

Juno Genomics, Hangzhou Juno Genomics, Inc
Classification: Pathogenic for Miyoshi muscular dystrophy 3. Review status: criteria provided, single submitter. Criteria: ACMG Guidelines, 2015. Collection method: clinical testing. Allele origin: germline. Affected: yes.
Comment: Absent from controls (or at extremely low frequency if recessive) in Genome Aggregation Database, Exome Sequencing Project, 1000 Genomes Project, or Exome Aggregation Consortium.;Null variant in a gene where loss of function (LOF) is a known mechanism of disease.;For recessive disorders, detected in trans with a pathogenic variant.;Patient's phenotype or family history is highly specific for a disease with a single genetic etiology.

Literature cited by the submitters: PubMed 16199547 (cited by Labcorp Genetics (formerly Invitae), Labcorp); PubMed 21186264 (cited by Labcorp Genetics (formerly Invitae), Labcorp); PubMed 23606453 (cited by Labcorp Genetics (formerly Invitae), Labcorp); PubMed 25891276 (cited by Labcorp Genetics (formerly Invitae), Labcorp); PubMed 30919934 (cited by Labcorp Genetics (formerly Invitae), Labcorp); PubMed 28187523 (cited by Labcorp Genetics (formerly Invitae), Labcorp and Women's Health and Genetics/Laboratory Corporation of America, LabCorp).

NM_213599.3(ANO5):c.1120-1G>A

Gene: ANO5 (anoctamin 5; plus strand). Cytogenetic location: 11p14.3.
Variant type: single nucleotide variant.
Coding change: c.1120-1G>A on transcript NM_213599.3 (MANE Select); the canonical splice acceptor site of the intron before coding-DNA position 1120, G replaced by A.
Molecular consequence: splice acceptor variant.
Genome position (GRCh38, 1-based): chr11:22,250,950, G>A. VCF-style: chr11-22250950-G-A. GRCh37 (hg19) VCF-style: chr11-22272496-G-A.
Other names: c.1078-1G>A (NM_001410963.1); c.1117-1G>A (NM_001142649.2); c.1075-1G>A (NM_001410964.1).
Identifiers: ClinVar variation 536726 (VCV000536726.16), dbSNP rs561719071, ClinGen allele CA5923150.